The following is an entry in ClinVar:

ClinVar aggregate classification (germline): Benign. Review status: criteria provided, multiple submitters, no conflicts (2 of 4 stars). 12 submissions from 11 submitters: Benign (12). Last evaluated 2026-02-04.

Conditions:
Developmental and epileptic encephalopathy, 28 (DEE28). Also called: Epileptic encephalopathy, early infantile, 28. Identifiers: Orphanet 442835, MedGen C4015519, MONDO:0014533, OMIM 616211.
Autosomal recessive spinocerebellar ataxia 12. Also called: SPINOCEREBELLAR ATAXIA WITH MENTAL RETARDATION AND EPILEPSY. Identifiers: Orphanet 284282, MedGen C3280452, MONDO:0013687, OMIM 614322.
Malignant tumor of esophagus. Also called: Esophageal cancer; Esophageal cancer, somatic. Identifiers: Orphanet 99977, MedGen C0546837, MONDO:0007576, OMIM 133239.
Developmental and epileptic encephalopathy, 1 (DEE1). Also called: X-linked infantile spasms; West's syndrome; Tonic spasms with clustering, arrest of psychomotor development and hypsarrhythmia on EEG; X-Linked Infantile Spasm Syndrome; OHTAHARA SYNDROME, X-LINKED; INFANTILE SPASM SYNDROME, X-LINKED 1. Identifiers: MedGen C3463992, MONDO:0010632, OMIM 308350. Disease mechanism: loss of function.

Allele frequency attached by ClinVar (database versions not stated): ESP Exome Variant Server 0.45933; 1000 Genomes Project 0.26338; 1000 Genomes Project 30x 0.26749; TOPMed 0.41722.
gnomAD v4.1: 859,431 of 1,613,106 alleles (53%); highest among the groups gnomAD compares: Non-Finnish European, 60%; 246,241 homozygotes.

Submissions (12):

Labcorp Genetics (formerly Invitae), Labcorp
Classification: Benign for Developmental and epileptic encephalopathy, 1; Autosomal recessive spinocerebellar ataxia 12. Last evaluated: 2026-02-04. Review status: criteria provided, single submitter. Criteria: Invitae Variant Classification Sherloc (09022015). Collection method: clinical testing. Allele origin: germline.

Blueprint Genetics
Classification: Benign. Last evaluated: 2024-11-27. Review status: criteria provided, single submitter. Criteria: ACMG Guidelines, 2015. Collection method: clinical testing. Allele origin: germline.

Unidad de Genómica Garrahan, Hospital de Pediatría Garrahan
Classification: Benign. Last evaluated: 2024-07-15. Review status: criteria provided, single submitter. Criteria: ACMG Guidelines, 2015. Collection method: clinical testing. Allele origin: germline. Affected: no. Observed: 64 variant alleles.
Comment: This variant is classified as Benign based on local population frequency. This variant was detected in 69% of patients studied in a panel designed for Epileptic and Developmental Encephalopathy and Progressive Myoclonus Epilepsy. Number of patients: 64. Only high quality variants are reported.

Genome-Nilou Lab
Classification: Benign for Developmental and epileptic encephalopathy, 28. Last evaluated: 2021-12-05. Review status: criteria provided, single submitter. Criteria: ACMG Guidelines, 2015. Collection method: clinical testing. Allele origin: germline. Affected: no.

Genome-Nilou Lab
Classification: Benign for Autosomal recessive spinocerebellar ataxia 12. Last evaluated: 2021-12-05. Review status: criteria provided, single submitter. Criteria: ACMG Guidelines, 2015. Collection method: clinical testing. Allele origin: germline. Affected: no.

Fulgent Genetics
Classification: Benign for Malignant tumor of esophagus; Autosomal recessive spinocerebellar ataxia 12; Developmental and epileptic encephalopathy, 28. Last evaluated: 2021-11-18. Review status: criteria provided, single submitter. Criteria: ACMG Guidelines, 2015. Collection method: clinical testing. Allele origin: unknown.

Mendelics
Classification: Benign for Developmental and epileptic encephalopathy, 1. Last evaluated: 2019-05-28. Review status: criteria provided, single submitter. Criteria: Mendelics Assertion Criteria 2017. Collection method: clinical testing. Allele origin: unknown.

Mayo Clinic Laboratories, Mayo Clinic
Classification: Benign. Last evaluated: 2018-04-02. Review status: criteria provided, single submitter. Criteria: ACMG Guidelines, 2015. Collection method: clinical testing. Allele origin: germline. Observed: 417 variant alleles.

Athena Diagnostics
Classification: Benign. Last evaluated: 2017-04-20. Review status: criteria provided, single submitter. Criteria: Athena Diagnostics Criteria. Collection method: clinical testing. Allele origin: germline.

GeneDx
Classification: Benign. Last evaluated: 2016-01-06. Review status: criteria provided, single submitter. Criteria: GeneDx Variant Classification (06012015). Collection method: clinical testing. Allele origin: germline. Affected: yes.
Comment: This variant is considered likely benign or benign based on one or more of the following criteria: it is a conservative change, it occurs at a poorly conserved position in the protein, it is predicted to be benign by multiple in silico algorithms, and/or has population frequency not consistent with disease.

Breakthrough Genomics
Classification: Benign. Review status: criteria provided, single submitter. Criteria: ACMG Guidelines, 2015. Collection method: not provided. Allele origin: germline. Inheritance: Autosomal recessive inheritance. Affected: yes.

PreventionGenetics, part of Exact Sciences
Classification: Benign. Review status: criteria provided, single submitter. Criteria: ACMG Guidelines, 2015. Collection method: clinical testing. Allele origin: germline.

NM_016373.4(WWOX):c.535G>A (p.Ala179Thr)

Gene: WWOX (WW domain containing oxidoreductase; plus strand). Cytogenetic location: 16q23.1.
Variant type: single nucleotide variant.
Coding change: c.535G>A on transcript NM_016373.4 (MANE Select); coding-DNA position 535, G replaced by A.
Protein change: p.Ala179Thr; replaces alanine 179 with threonine.
Molecular consequence: missense variant.
Genome position (GRCh38, 1-based): chr16:78,386,878, G>A. VCF-style: chr16-78386878-G-A. GRCh37 (hg19) VCF-style: chr16-78420775-G-A.
Other names: c.196G>A, p.Ala66Thr (NM_001291997.2); short protein forms A179T, A66T.
Identifiers: ClinVar variation 260740 (VCV000260740.19), dbSNP rs11545029, ClinGen allele CA8183321.